The following is an entry in ClinVar:

NM_170784.3(MKKS):c.2T>A (p.Met1Lys)

Gene: MKKS (MKKS centrosomal shuttling protein; minus strand). Cytogenetic location: 20p12.2.
Variant type: single nucleotide variant.
Coding change: c.2T>A on transcript NM_170784.3 (MANE Select); coding-DNA position 2, T replaced by A.
Protein change: p.Met1Lys; changes the start codon (methionine 1).
Molecular consequence: missense variant, initiator codon variant.
Genome position (GRCh38, 1-based): chr20:10,413,513, A>T on the plus strand (T>A on the coding strand, the complement: MKKS is on the minus strand). VCF-style: chr20-10413513-A-T. GRCh37 (hg19) VCF-style: chr20-10394161-A-T.
Other names: c.2T>A, p.Met1Lys (NM_018848.3); short protein forms M1K.
Identifiers: ClinVar variation 2924131 (VCV002924131.4), dbSNP rs2514498517, ClinGen allele CA408234034.

ClinVar aggregate classification (germline): Pathogenic. Review status: criteria provided, multiple submitters, no conflicts (2 of 4 stars). 2 submissions from 2 submitters: Pathogenic (2). Last evaluated 2024-01-21.

Conditions:
MKKS-related disorder. Also called: MKKS-related disorders; MKKS-related condition.
Bardet-Biedl syndrome (BBS). Identifiers: Orphanet 110, MedGen C0752166, MONDO:0015229.
McKusick-Kaufman syndrome (MKKS). Also called: HYDROMETROCOLPOS SYNDROME; HYDROMETROCOLPOS, POSTAXIAL POLYDACTYLY, AND CONGENITAL HEART MALFORMATION. Identifiers: Orphanet 2473, MedGen C0948368, MONDO:0009367, OMIM 236700.

Allele frequency attached by ClinVar (database versions not stated): gnomAD exomes below 0.00001.

Submissions (2):

Labcorp Genetics (formerly Invitae), Labcorp
Classification: Pathogenic for McKusick-Kaufman syndrome; Bardet-Biedl syndrome. Last evaluated: 2024-01-21. Review status: criteria provided, single submitter. Criteria: Invitae Variant Classification Sherloc (09022015). Collection method: clinical testing. Allele origin: germline.
Comment: This sequence change affects the initiator methionine of the MKKS mRNA. The next in-frame methionine is located at codon 165. This variant is not present in population databases (gnomAD no frequency). Disruption of the initiator codon has been observed in individuals with Bardet-Biedl syndrome (PMID: 15666242, 25982971). This variant disrupts a region of the MKKS protein in which other variant(s) (p.Thr57Ala) have been determined to be pathogenic (PMID: 10973251, 18094050, 20080638, 20498079; Invitae; external communication). This suggests that this is a clinically significant region of the protein, and that variants that disrupt it are likely to be disease-causing. For these reasons, this variant has been classified as Pathogenic.

Blueprint Genetics
Classification: Pathogenic for MKKS-related disorders. Last evaluated: 2018-10-19. Review status: criteria provided, single submitter. Criteria: ACMG Guidelines, 2015. Collection method: clinical testing. Allele origin: germline. Affected: yes. Observed: 1 variant allele.

Literature cited by the submitters: PubMed 15666242 (cited by Labcorp Genetics (formerly Invitae), Labcorp); PubMed 25982971 (cited by Labcorp Genetics (formerly Invitae), Labcorp); PubMed 10973251 (cited by Labcorp Genetics (formerly Invitae), Labcorp); PubMed 18094050 (cited by Labcorp Genetics (formerly Invitae), Labcorp); PubMed 20080638 (cited by Labcorp Genetics (formerly Invitae), Labcorp); PubMed 20498079 (cited by Labcorp Genetics (formerly Invitae), Labcorp).